The following is an entry in ClinVar:

NM_001376013.1(EPB41):c.1522C>T (p.Arg508Ter)

Gene: EPB41 (erythrocyte membrane protein band 4.1; plus strand). Cytogenetic location: 1p35.3.
Variant type: single nucleotide variant.
Coding change: c.1522C>T on transcript NM_001376013.1 (MANE Select); coding-DNA position 1522, C replaced by T.
Protein change: p.Arg508Ter; replaces arginine 508 with a stop codon.
Molecular consequence: nonsense.
Genome position (GRCh38, 1-based): chr1:29,039,312, C>T. VCF-style: chr1-29039312-C-T. GRCh37 (hg19) VCF-style: chr1-29365824-C-T.
Other names: p.Arg508*; c.1522C>T, p.Arg508Ter (NM_001166005.2, NM_001166006.2, NM_001376014.1 and 7 more transcripts); c.895C>T, p.Arg299Ter (NM_001166007.2, NM_001376022.1, NM_001376023.1 and 7 more transcripts); c.1417C>T, p.Arg473Ter (NM_203343.3); short protein forms R299*, R473*, R508*.
Identifiers: ClinVar variation 3380949 (VCV003380949.5).
Genomic context (GRCh38, chr1:29,039,312, plus strand): 5'-AGATTGACATCTACAGACACCATTCCCAAAAGCAAATTTCTTGCGCTAGGATCCAAATTT[C>T]GATACAGTGGCCGGACTCAAGCTCAGACCAGGCAAGCTAGTGCTCTAATTGACAGGCCTG-3'

ClinVar aggregate classification (germline): Pathogenic/Likely pathogenic. Review status: criteria provided, multiple submitters, no conflicts (2 of 4 stars). 3 submissions from 3 submitters: Pathogenic (1); Likely pathogenic (2). Last evaluated 2024-04-09.

Conditions:
Elliptocytosis 1 (EL1). Also called: 4.1- TRAIT; 4.1-MINUS TRAIT; ELLIPTOCYTOSIS, RHESUS-LINKED TYPE; PROTEIN 4.1 OF ERYTHROCYTE MEMBRANE, DEFECT OF. Identifiers: Orphanet 288, MedGen C2678497, MONDO:0012731, OMIM 611804.

gnomAD v4.1: 2 of 1,614,112 alleles (0.00012%); highest among the groups gnomAD compares: Non-Finnish European, 0.00017%; no homozygotes.

Submissions (3):

Labcorp Genetics (formerly Invitae), Labcorp
Classification: Pathogenic. Last evaluated: 2024-04-09. Review status: criteria provided, single submitter. Criteria: Invitae Variant Classification Sherloc (09022015). Collection method: clinical testing. Allele origin: germline.
Comment: This sequence change creates a premature translational stop signal (p.Arg299*) in the EPB41 gene. It is expected to result in an absent or disrupted protein product. Loss-of-function variants in EPB41 are known to be pathogenic (PMID: 21839655, 27551681, 27667160, 33942936). This variant is not present in population databases (gnomAD no frequency). This variant has not been reported in the literature in individuals affected with EPB41-related conditions. For these reasons, this variant has been classified as Pathogenic.

Mayo Clinic Laboratories, Mayo Clinic
Classification: Likely pathogenic. Last evaluated: 2023-07-17. Review status: criteria provided, single submitter. Criteria: ACMG Guidelines, 2015. Collection method: clinical testing. Allele origin: germline. Observed: 1 variant allele.
Comment: PM2_moderate, PVS1

Juno Genomics, Hangzhou Juno Genomics, Inc
Classification: Likely pathogenic for Elliptocytosis 1. Review status: criteria provided, single submitter. Criteria: ACMG Guidelines, 2015. Collection method: clinical testing. Allele origin: germline.
Comment: Null variant in a gene where loss of function (LOF) is a known mechanism of disease.;Absent from controls (or at extremely low frequency if recessive) in Genome Aggregation Database.

Literature cited by the submitters: PubMed 21839655 (cited by Labcorp Genetics (formerly Invitae), Labcorp); PubMed 27551681 (cited by Labcorp Genetics (formerly Invitae), Labcorp); PubMed 27667160 (cited by Labcorp Genetics (formerly Invitae), Labcorp); PubMed 33942936 (cited by Labcorp Genetics (formerly Invitae), Labcorp).